The following is an entry in ClinVar:

NM_003923.3(FOXH1):c.1055C>T (p.Ala352Val)

Gene: FOXH1 (forkhead box H1; minus strand). Cytogenetic location: 8q24.3.
Variant type: single nucleotide variant.
Coding change: c.1055C>T on transcript NM_003923.3 (MANE Select); coding-DNA position 1055, C replaced by T.
Protein change: p.Ala352Val; replaces alanine 352 with valine.
Molecular consequence: missense variant.
Genome position (GRCh38, 1-based): chr8:144,474,281, G>A on the plus strand (C>T on the coding strand, the complement: FOXH1 is on the minus strand). VCF-style: chr8-144474281-G-A. GRCh37 (hg19) VCF-style: chr8-145699664-G-A.
Other names: short protein forms A352V.
Identifiers: ClinVar variation 420047 (VCV000420047.2), dbSNP rs762489738, ClinGen allele CA4945371.

ClinVar aggregate classification (germline): Uncertain significance (1 of 4 stars; one submission).

Allele frequency attached by ClinVar (database versions not stated): gnomAD 0.00001; TOPMed 0.00001; ExAC 0.00003; gnomAD exomes 0.00003.
gnomAD v4.1: 11 of 1,600,684 alleles (0.00069%); highest among the groups gnomAD compares: East Asian, 0.013%; no homozygotes.

Submission:

GeneDx
Classification: Uncertain significance. Last evaluated: 2017-01-31. Review status: criteria provided, single submitter. Criteria: GeneDx Variant Classification (06012015). Collection method: clinical testing. Allele origin: germline. Affected: yes.
Comment: The A352V variant in the FOXH1 gene has been reported in association with holoprosencephaly, in a polygenic NODAL pathway study, however, additional phenotypic information was not available and it is unclear if the variant was present in the heterozygous state, or in the presence of another FOXH1 nonsense variant (Roessler et al., 2008). The A352V variant is not observed at a significant frequency in large population cohorts (Lek et al., 2016; 1000 Genomes Consortium et al., 2015; Exome Variant Server). The A352V variant is a conservative amino acid substitution, which is not likely to impact secondary protein structure as these residues share similar properties. This substitution occurs at a position that is not conserved. In silico analysis is inconsistent in its predictions as to whether or not the variant is damaging to the protein structure/function. We interpret A352V as a variant of uncertain significance.